The following is an entry in ClinVar:

ClinVar aggregate classification (germline): Likely benign. Review status: criteria provided, multiple submitters, no conflicts (2 of 4 stars). 2 submissions from 2 submitters: Likely benign (2). Last evaluated 2018-06-14.

Allele frequency attached by ClinVar (database versions not stated): 1000 Genomes Project 30x 0.00515; 1000 Genomes Project 0.00519; TOPMed 0.00988; gnomAD 0.01084 and 0.01119; ESP Exome Variant Server 0.01101; gnomAD exomes 0.01142 and 0.01500; ExAC 0.01244.
gnomAD v4.1: 23,300 of 1,611,752 alleles (1.4%); highest among the groups gnomAD compares: Non-Finnish European, 1.8%; 222 homozygotes.

Submissions (2):

GeneDx
Classification: Likely benign. Last evaluated: 2018-06-14. Review status: criteria provided, single submitter. Criteria: GeneDx Variant Classification (06012015). Collection method: clinical testing. Allele origin: germline. Affected: yes.
Comment: This variant is considered likely benign or benign based on one or more of the following criteria: it is a conservative change, it occurs at a poorly conserved position in the protein, it is predicted to be benign by multiple in silico algorithms, and/or has population frequency not consistent with disease.

Breakthrough Genomics
Classification: Likely benign. Review status: criteria provided, single submitter. Criteria: ACMG Guidelines, 2015. Collection method: not provided. Allele origin: germline. Inheritance: Autosomal recessive inheritance. Affected: yes.

NM_016938.5(EFEMP2):c.974+47G>A

Gene: EFEMP2 (EGF containing fibulin extracellular matrix protein 2; minus strand). Cytogenetic location: 11q13.1.
Variant type: single nucleotide variant.
Coding change: c.974+47G>A on transcript NM_016938.5 (MANE Select); 47 bases into the intron after coding-DNA position 974, G replaced by A.
Molecular consequence: intron variant.
Genome position (GRCh38, 1-based): chr11:65,868,248, C>T on the plus strand (G>A on the coding strand, the complement: EFEMP2 is on the minus strand). VCF-style: chr11-65868248-C-T. GRCh37 (hg19) VCF-style: chr11-65635719-C-T.
Identifiers: ClinVar variation 678723 (VCV000678723.2), dbSNP rs118107504, ClinGen allele CA6110455.